The following is an entry in ClinVar:

NM_001382241.1(TNPO2):c.2110+1G>C

Gene: TNPO2 (transportin 2; minus strand). Cytogenetic location: 19p13.13.
Variant type: single nucleotide variant.
Coding change: c.2110+1G>C on transcript NM_001382241.1 (MANE Select); the canonical splice donor site of the intron after coding-DNA position 2110, G replaced by C.
Molecular consequence: splice donor variant.
Genome position (GRCh38, 1-based): chr19:12,703,713, C>G on the plus strand (G>C on the coding strand, the complement: TNPO2 is on the minus strand). VCF-style: chr19-12703713-C-G. GRCh37 (hg19) VCF-style: chr19-12814527-C-G.
Other names: c.2110+1G>C (NM_001382237.1, NM_001382240.1, NM_001382238.1 and 7 more transcripts).
Identifiers: ClinVar variation 1333639 (VCV001333639.1), dbSNP rs2145464604, ClinGen allele CA404234504.

ClinVar aggregate classification (germline): Likely pathogenic (1 of 4 stars; one submission).

Conditions:
Intellectual developmental disorder with hypotonia, impaired speech, and dysmorphic facies (IDDHISD). Identifiers: MedGen C5561997, MONDO:0859197, OMIM 619556.

Submission:

3billion
Classification: Likely pathogenic for Intellectual developmental disorder with hypotonia, impaired speech, and dysmorphic facies. Last evaluated: 2022-01-03. Review status: criteria provided, single submitter. Criteria: ACMG Guidelines, 2015. Collection method: clinical testing. Allele origin: germline. Affected: yes. Observed: 1 heterozygote.
Comment: Canonical splice site: predicted to alter splicing and result in a loss or disruption of normal protein function through protein truncation. Multiple pathogenic variants are reported in the predicted truncated region (PVS1_VS).It is not observed in the gnomAD v2.1.1 dataset (PM2_M). Therefore, this variant is classified as likely pathogenic according to the recommendation of ACMG/AMP guideline.